The following is an entry in ClinVar:

NM_018489.3(ASH1L):c.2639G>A (p.Gly880Asp)

Gene: ASH1L (ASH1 like histone lysine methyltransferase; minus strand). Cytogenetic location: 1q22.
Variant type: single nucleotide variant.
Coding change: c.2639G>A on transcript NM_018489.3 (MANE Select); coding-DNA position 2639, G replaced by A.
Protein change: p.Gly880Asp; replaces glycine 880 with aspartic acid.
Molecular consequence: missense variant.
Genome position (GRCh38, 1-based): chr1:155,480,231, C>T on the plus strand (G>A on the coding strand, the complement: ASH1L is on the minus strand). VCF-style: chr1-155480231-C-T. GRCh37 (hg19) VCF-style: chr1-155450022-C-T.
Other names: c.2639G>A, p.Gly880Asp (NM_001366177.2); short protein forms G880D.
Identifiers: ClinVar variation 3906306 (VCV003906306.1).

ClinVar aggregate classification (germline): Uncertain significance (1 of 4 stars; one submission).

Submission:

GeneDx
Classification: Uncertain significance. Last evaluated: 2024-12-18. Review status: criteria provided, single submitter. Criteria: GeneDx Variant Classification Process June 2021. Collection method: clinical testing. Allele origin: germline. Affected: yes.
Comment: Not observed at significant frequency in large population cohorts (gnomAD); In silico analysis indicates that this missense variant does not alter protein structure/function; Has not been previously published as pathogenic or benign to our knowledge